The following is an entry in ClinVar:

NM_001843.4(CNTN1):c.1095G>T (p.Leu365Phe)

Gene: CNTN1 (contactin 1; plus strand). Cytogenetic location: 12q12.
Variant type: single nucleotide variant.
Coding change: c.1095G>T on transcript NM_001843.4 (MANE Select); coding-DNA position 1095, G replaced by T.
Protein change: p.Leu365Phe; replaces leucine 365 with phenylalanine.
Molecular consequence: missense variant.
Genome position (GRCh38, 1-based): chr12:40,936,890, G>T. VCF-style: chr12-40936890-G-T. GRCh37 (hg19) VCF-style: chr12-41330692-G-T.
Other names: c.1095G>T, p.Leu365Phe (NM_001256063.2, NM_001256064.2); c.1062G>T, p.Leu354Phe (NM_175038.2); short protein forms L365F, L354F.
Identifiers: ClinVar variation 447109 (VCV000447109.9), dbSNP rs151126410, ClinGen allele CA6516777.

ClinVar aggregate classification (germline): Uncertain significance. Review status: criteria provided, multiple submitters, no conflicts (2 of 4 stars). 4 submissions from 4 submitters: Uncertain significance (4). Last evaluated 2025-02-08.

Conditions:
Compton-North congenital myopathy (CMYO12). Identifiers: Orphanet 210163, MedGen C2675527, MONDO:0012929, OMIM 612540.

Allele frequency attached by ClinVar (database versions not stated): ESP Exome Variant Server 0.00008; gnomAD 0.00013 and 0.00014; TOPMed 0.00013; gnomAD exomes 0.00020 and 0.00029; ExAC 0.00025.
gnomAD v4.1: 443 of 1,612,938 alleles (0.027%); highest among the groups gnomAD compares: Non-Finnish European, 0.035%; 1 homozygote.

Submissions (4):

GeneDx
Classification: Uncertain significance. Last evaluated: 2025-02-08. Review status: criteria provided, single submitter. Criteria: GeneDx Variant Classification Process June 2021. Collection method: clinical testing. Allele origin: germline. Affected: yes.
Comment: In silico analysis supports that this missense variant has a deleterious effect on protein structure/function; Has not been previously published as pathogenic or benign to our knowledge; This variant is associated with the following publications: (PMID: 29991641)

Blueprint Genetics
Classification: Uncertain significance. Last evaluated: 2024-10-02. Review status: criteria provided, single submitter. Criteria: ACMG Guidelines, 2015. Collection method: clinical testing. Allele origin: germline.

Labcorp Genetics (formerly Invitae), Labcorp
Classification: Uncertain significance for Compton-North congenital myopathy. Last evaluated: 2022-09-06. Review status: criteria provided, single submitter. Criteria: Invitae Variant Classification Sherloc (09022015). Collection method: clinical testing. Allele origin: germline.
Comment: This sequence change replaces leucine, which is neutral and non-polar, with phenylalanine, which is neutral and non-polar, at codon 365 of the CNTN1 protein (p.Leu365Phe). This variant is present in population databases (rs151126410, gnomAD 0.04%). This variant has not been reported in the literature in individuals affected with CNTN1-related conditions. ClinVar contains an entry for this variant (Variation ID: 447109). Advanced modeling of protein sequence and biophysical properties (such as structural, functional, and spatial information, amino acid conservation, physicochemical variation, residue mobility, and thermodynamic stability) performed at Invitae indicates that this missense variant is not expected to disrupt CNTN1 protein function. In summary, the available evidence is currently insufficient to determine the role of this variant in disease. Therefore, it has been classified as a Variant of Uncertain Significance.

Athena Diagnostics
Classification: Uncertain significance. Last evaluated: 2017-05-23. Review status: criteria provided, single submitter. Criteria: Athena Diagnostics Criteria. Collection method: clinical testing. Allele origin: germline.